The following is an entry in ClinVar:

NM_002230.4(JUP):c.959G>T (p.Arg320Leu)

Gene: JUP (junction plakoglobin; minus strand). Cytogenetic location: 17q21.2.
Variant type: single nucleotide variant.
Coding change: c.959G>T on transcript NM_002230.4 (MANE Select); coding-DNA position 959, G replaced by T.
Protein change: p.Arg320Leu; replaces arginine 320 with leucine.
Molecular consequence: missense variant.
Genome position (GRCh38, 1-based): chr17:41,765,018, C>A on the plus strand (G>T on the coding strand, the complement: JUP is on the minus strand). VCF-style: chr17-41765018-C-A. GRCh37 (hg19) VCF-style: chr17-39921270-C-A.
Other names: c.959G>T, p.Arg320Leu (NM_001352773.2, NM_001352774.2, NM_001352775.2 and 3 more transcripts); short protein forms R320L.
Identifiers: ClinVar variation 2926728 (VCV002926728.3), dbSNP rs781965392, ClinGen allele CA399499530.
Genomic context (GRCh38, chr17:41,765,018, plus strand): 5'-ACGGATAGCACCTTGAGCACACGACTGGTGGTCCAGAGCAGCTTTTCATAACTGTAGTTA[C>A]GCATGATCTGCACGAGGGCCTGGGGCCCACCATTGGCCAGGATGATCAGCTATGGGTAAA-3'
Protein context (NP_002221.1, residues 310-330): GGPQALVQIM[Arg320Leu]NYSYEKLLWT

ClinVar aggregate classification (germline): Uncertain significance (1 of 4 stars; one submission).

Conditions:
Naxos disease (NXD). Also called: KERATOSIS PALMOPLANTARIS WITH ARRHYTHMOGENIC CARDIOMYOPATHY; MAL DE NAXOS; PALMOPLANTAR KERATODERMA WITH ARRHYTHMOGENIC RIGHT VENTRICULAR CARDIOMYOPATHY AND WOOLLY HAIR; WOOLLY HAIR, PALMOPLANTAR KERATODERMA, AND CARDIAC ABNORMALITIES; CARDIOMYOPATHY, ARRHYTHMOGENIC RIGHT VENTRICULAR, WITH SKIN, HAIR, AND NAIL ABNORMALITIES. Identifiers: Orphanet 34217, MedGen C1832600, MONDO:0011017, OMIM 601214.
Arrhythmogenic right ventricular dysplasia 12. Also called: ARRHYTHMOGENIC RIGHT VENTRICULAR DYSPLASIA, FAMILIAL, 12. Identifiers: MedGen C1969081, MONDO:0012684, OMIM 611528.

gnomAD v4.1: 11 of 1,613,926 alleles (0.00068%); highest among the groups gnomAD compares: Non-Finnish European, 0.00093%; no homozygotes.

Submission:

Labcorp Genetics (formerly Invitae), Labcorp
Classification: Uncertain significance for Arrhythmogenic right ventricular dysplasia 12; Naxos disease. Last evaluated: 2025-11-12. Review status: criteria provided, single submitter. Criteria: Invitae Variant Classification Sherloc (09022015). Collection method: clinical testing. Allele origin: germline.
Comment: This sequence change replaces arginine, which is basic and polar, with leucine, which is neutral and non-polar, at codon 320 of the JUP protein (p.Arg320Leu). This variant is present in population databases (no rsID available, gnomAD 0.002%). This variant has not been reported in the literature in individuals affected with JUP-related conditions. ClinVar contains an entry for this variant (Variation ID: 2926728). An algorithm developed to predict the effect of missense changes on protein structure and function (PolyPhen-2) suggests that this variant is likely to be disruptive. In summary, the available evidence is currently insufficient to determine the role of this variant in disease. Therefore, it has been classified as a Variant of Uncertain Significance.